The following is an entry in ClinVar:

ClinVar aggregate classification (germline): Likely benign (1 of 4 stars; one submission).

gnomAD v4.1: 52 of 1,613,874 alleles (0.0032%); highest among the groups gnomAD compares: South Asian, 0.0077%; no homozygotes.

Submission:

CeGaT Center for Human Genetics Tuebingen
Classification: Likely benign. Last evaluated: 2026-02-01. Review status: criteria provided, single submitter. Criteria: CeGaT Center For Human Genetics Tuebingen Variant Classification Criteria Version 2. Collection method: clinical testing. Allele origin: germline. Affected: yes. Observed: 1 variant allele.
Comment: KRT38: BP4, BP7

NM_006771.4(KRT38):c.777T>C (p.Ile259=)

Gene: KRT38 (keratin 38; minus strand). Cytogenetic location: 17q21.2.
Variant type: single nucleotide variant.
Coding change: c.777T>C on transcript NM_006771.4 (MANE Select); coding-DNA position 777, T replaced by C.
Protein change: p.Ile259=; no amino-acid change (isoleucine 259 retained).
Molecular consequence: synonymous variant.
Genome position (GRCh38, 1-based): chr17:41,438,814, A>G on the plus strand (T>C on the coding strand, the complement: KRT38 is on the minus strand). VCF-style: chr17-41438814-A-G. GRCh37 (hg19) VCF-style: chr17-39595066-A-G.
Identifiers: ClinVar variation 4821942 (VCV004821942.4).